The following is an entry in ClinVar:

ClinVar aggregate classification (germline): Uncertain significance (1 of 4 stars; one submission).

Conditions:
Primary ciliary dyskinesia. Also called: Ciliary dyskinesia. Identifiers: Orphanet 244, MedGen C0008780, MONDO:0016575, HP:0012265.

Submission:

Labcorp Genetics (formerly Invitae), Labcorp
Classification: Uncertain significance for Primary ciliary dyskinesia. Last evaluated: 2024-12-04. Review status: criteria provided, single submitter. Criteria: Invitae Variant Classification Sherloc (09022015). Collection method: clinical testing. Allele origin: germline.
Comment: This sequence change replaces proline, which is neutral and non-polar, with serine, which is neutral and polar, at codon 875 of the DNAH8 protein (p.Pro875Ser). This variant is not present in population databases (gnomAD no frequency). This variant has not been reported in the literature in individuals affected with DNAH8-related conditions. Experimental studies and prediction algorithms are not available or were not evaluated, and the functional significance of this variant is currently unknown. In summary, the available evidence is currently insufficient to determine the role of this variant in disease. Therefore, it has been classified as a Variant of Uncertain Significance.

NM_001206927.2(DNAH8):c.2623C>T (p.Pro875Ser)

Gene: DNAH8 (dynein axonemal heavy chain 8; plus strand). Cytogenetic location: 6p21.2.
Variant type: single nucleotide variant.
Coding change: c.2623C>T on transcript NM_001206927.2 (MANE Select); coding-DNA position 2623, C replaced by T.
Protein change: p.Pro875Ser; replaces proline 875 with serine.
Molecular consequence: missense variant.
Genome position (GRCh38, 1-based): chr6:38,789,842, C>T. VCF-style: chr6-38789842-C-T. GRCh37 (hg19) VCF-style: chr6-38757618-C-T.
Other names: c.1972C>T, p.Pro658Ser (NM_001371.4); short protein forms P658S, P875S.
Identifiers: ClinVar variation 3605579 (VCV003605579.2).